The following is an entry in ClinVar:

NM_012144.4(DNAI1):c.353G>T (p.Gly118Val)

Gene: DNAI1 (dynein axonemal intermediate chain 1; plus strand). Cytogenetic location: 9p13.3.
Variant type: single nucleotide variant.
Coding change: c.353G>T on transcript NM_012144.4 (MANE Select); coding-DNA position 353, G replaced by T.
Protein change: p.Gly118Val; replaces glycine 118 with valine.
Molecular consequence: missense variant.
Genome position (GRCh38, 1-based): chr9:34,489,414, G>T. VCF-style: chr9-34489414-G-T. GRCh37 (hg19) VCF-style: chr9-34489412-G-T.
Other names: c.353G>T, p.Gly118Val (NM_001281428.2); short protein forms G118V.
Identifiers: ClinVar variation 2037697 (VCV002037697.1), dbSNP rs2492032490, ClinGen allele CA373245044.
Genomic context (GRCh38, chr9:34,489,414, plus strand): 5'-ACCAACTGGCAGTTCACTACACCCAGGTTGGGAACCTGATCCCCAAAGACTCAGATGAAG[G>T]ACGGCGGCAGCATTACCGCGATGAATTAGTGGCAGGTAGGACTCTGGGCCATCCTGAAGC-3'
Protein context (NP_036276.1, residues 108-128): GNLIPKDSDE[Gly118Val]RRQHYRDELV

ClinVar aggregate classification (germline): Uncertain significance (1 of 4 stars; one submission).

Conditions:
Primary ciliary dyskinesia. Also called: Ciliary dyskinesia. Identifiers: Orphanet 244, MedGen C0008780, MONDO:0016575, HP:0012265.

Allele frequency attached by ClinVar (database versions not stated): gnomAD exomes below 0.00001.
gnomAD v4.1: 1 of 1,614,054 alleles (0.000062%); highest among the groups gnomAD compares: East Asian, 0.0022%; no homozygotes.

Submission:

Labcorp Genetics (formerly Invitae), Labcorp
Classification: Uncertain significance for Primary ciliary dyskinesia. Last evaluated: 2021-08-31. Review status: criteria provided, single submitter. Criteria: Invitae Variant Classification Sherloc (09022015). Collection method: clinical testing. Allele origin: germline.
Comment: This sequence change replaces glycine with valine at codon 118 of the DNAI1 protein (p.Gly118Val). The glycine residue is moderately conserved and there is a moderate physicochemical difference between glycine and valine. This variant is not present in population databases (ExAC no frequency). This variant has not been reported in the literature in individuals affected with DNAI1-related conditions. Algorithms developed to predict the effect of missense changes on protein structure and function (SIFT, PolyPhen-2, Align-GVGD) all suggest that this variant is likely to be tolerated. Algorithms developed to predict the effect of sequence changes on RNA splicing suggest that this variant may create or strengthen a splice site. In summary, the available evidence is currently insufficient to determine the role of this variant in disease. Therefore, it has been classified as a Variant of Uncertain Significance.